The following is an entry in ClinVar:

ClinVar aggregate classification (germline): Uncertain significance. Review status: criteria provided, multiple submitters, no conflicts (2 of 4 stars). 2 submissions from 2 submitters: Uncertain significance (2). Last evaluated 2025-02-01.

Conditions:
Inborn genetic diseases. Identifiers: MedGen C0950123, MeSH D030342.

gnomAD v4.1: 1 of 1,614,258 alleles (0.000062%); highest among the groups gnomAD compares: South Asian, 0.0011%; no homozygotes.

Submissions (2):

Ambry Genetics
Classification: Uncertain significance for Inborn genetic diseases. Last evaluated: 2025-02-01. Review status: criteria provided, single submitter. Criteria: Ambry Variant Classification Scheme 2023. Collection method: clinical testing. Allele origin: germline.
Comment: The p.L1170S variant (also known as c.3509T>C), located in coding exon 13 of the ASXL1 gene, results from a T to C substitution at nucleotide position 3509. The leucine at codon 1170 is replaced by serine, an amino acid with dissimilar properties. This amino acid position is conserved. In addition, this alteration is predicted to be tolerated by in silico analysis. Based on the available evidence, the clinical significance of this variant remains unclear.

Labcorp Genetics (formerly Invitae), Labcorp
Classification: Uncertain significance. Last evaluated: 2024-04-15. Review status: criteria provided, single submitter. Criteria: Invitae Variant Classification Sherloc (09022015). Collection method: clinical testing. Allele origin: germline.
Comment: This sequence change replaces leucine, which is neutral and non-polar, with serine, which is neutral and polar, at codon 1170 of the ASXL1 protein (p.Leu1170Ser). This variant is not present in population databases (gnomAD no frequency). This variant has not been reported in the literature in individuals affected with ASXL1-related conditions. Algorithms developed to predict the effect of missense changes on protein structure and function output the following: SIFT: "Not Available"; PolyPhen-2: "Benign"; Align-GVGD: "Not Available". The serine amino acid residue is found in multiple mammalian species, which suggests that this missense change does not adversely affect protein function. In summary, the available evidence is currently insufficient to determine the role of this variant in disease. Therefore, it has been classified as a Variant of Uncertain Significance.

NM_015338.6(ASXL1):c.3509T>C (p.Leu1170Ser)

Gene: ASXL1 (ASXL transcriptional regulator 1; plus strand). Cytogenetic location: 20q11.21.
Variant type: single nucleotide variant.
Coding change: c.3509T>C on transcript NM_015338.6 (MANE Select); coding-DNA position 3509, T replaced by C.
Protein change: p.Leu1170Ser; replaces leucine 1170 with serine.
Molecular consequence: missense variant.
Genome position (GRCh38, 1-based): chr20:32,436,221, T>C. VCF-style: chr20-32436221-T-C. GRCh37 (hg19) VCF-style: chr20-31024024-T-C.
Other names: c.3326T>C, p.Leu1109Ser (NM_001363734.1); short protein forms L1170S, L1109S.
Identifiers: ClinVar variation 3674180 (VCV003674180.3).
Genomic context (GRCh38, chr20:32,436,221, plus strand): 5'-GATCTTTACATGGTCTTGGAAAAAACAGTGGCATGGTTGATGGAAGCAGCCCCAGTTCTT[T>C]AAGGGCTTTGAAGGAGCCTCTTCTGCCAGATAGCTGTGAAACAGGCACTGGTCTTGCCAG-3'
Protein context (NP_056153.2, residues 1160-1180): GMVDGSSPSS[Leu1170Ser]RALKEPLLPD